The following is an entry in ClinVar:

NM_006828.4(ASCC3):c.3878C>T (p.Pro1293Leu)

Gene: ASCC3 (activating signal cointegrator 1 complex subunit 3; minus strand). Cytogenetic location: 6q16.3.
Variant type: single nucleotide variant.
Coding change: c.3878C>T on transcript NM_006828.4 (MANE Select); coding-DNA position 3878, C replaced by T.
Protein change: p.Pro1293Leu; replaces proline 1293 with leucine.
Molecular consequence: missense variant.
Genome position (GRCh38, 1-based): chr6:100,642,604, G>A on the plus strand (C>T on the coding strand, the complement: ASCC3 is on the minus strand). VCF-style: chr6-100642604-G-A. GRCh37 (hg19) VCF-style: chr6-101090480-G-A.
Other names: short protein forms P1293L.
Identifiers: ClinVar variation 3364166 (VCV003364166.1).

ClinVar aggregate classification (germline): Uncertain significance (1 of 4 stars; one submission).

Submission:

GeneDx
Classification: Uncertain significance. Last evaluated: 2023-11-20. Review status: criteria provided, single submitter. Criteria: GeneDx Variant Classification Process June 2021. Collection method: clinical testing. Allele origin: germline. Affected: yes.
Comment: Not observed at significant frequency in large population cohorts (gnomAD); In silico analysis supports that this missense variant has a deleterious effect on protein structure/function; In silico analysis is inconclusive as to whether the variant alters gene splicing. In the absence of RNA/functional studies, the actual effect of this sequence change is unknown.; Has not been previously published as pathogenic or benign to our knowledge